The following is an entry in ClinVar:

NM_022124.6(CDH23):c.9380+5G>C

Gene: CDH23 (cadherin related 23; plus strand). Cytogenetic location: 10q22.1.
Variant type: single nucleotide variant.
Coding change: c.9380+5G>C on transcript NM_022124.6 (MANE Select); 5 bases into the intron after coding-DNA position 9380, G replaced by C.
Molecular consequence: intron variant. On other transcripts: 5 prime UTR variant (2).
Genome position (GRCh38, 1-based): chr10:71,812,020, G>C. VCF-style: chr10-71812020-G-C. GRCh37 (hg19) VCF-style: chr10-73571777-G-C.
Other names: c.-272G>C (NM_001171935.1, NM_001171936.1); c.2660+5G>C (NM_001171933.1, NM_001171934.1).
Identifiers: ClinVar variation 1801504 (VCV001801504.2), dbSNP rs2494455825, ClinGen allele CA2580081917.
Genomic context (GRCh38, chr10:71,812,020, plus strand): 5'-CGTGGCTTCATCGACATCATGGACATGCCTAACACCAACAAGTACTCCTTTGATGGGTGA[G>C]TGGGGTACTGGCCCTGCCCGGTCCCCTGCGGGGAGTCCTGCCAGGACCCAGCTGGGGAGA-3'

ClinVar aggregate classification (germline): Uncertain significance (1 of 4 stars; one submission).

Conditions:
Autosomal recessive nonsyndromic hearing loss 12. Also called: DEAFNESS, AUTOSOMAL RECESSIVE 12. Identifiers: Orphanet 90636, MedGen C1832394, MONDO:0011067, OMIM 601386.

Submission:

Foundation for Research in Genetics and Endocrinology, FRIGE's Institute of Human Genetics
Classification: Uncertain significance for Autosomal recessive nonsyndromic hearing loss 12. Last evaluated: 2022-10-12. Review status: criteria provided, single submitter. Criteria: ACMG Guidelines, 2015. Collection method: clinical testing. Allele origin: germline. Inheritance: Autosomal recessive inheritance. Affected: yes. Observed: 1 homozygote.
Comment: A homozygous 5' splice site variation in intron 66 of the CDH23 gene (chr10:g.71812020G>C; Depth: 107x) that affects the position 5 nucleotides downstream of donor splice site of exon 66 (c.9380+5G>C; ENST00000224721.12) was detected (Table). The variant has not been reported in 1000 genomes, gnomAD and in our internal databases. The in silico predictions# of the variant is damaging by MutationTaster2. The reference base is conserved across species.